The following is an entry in ClinVar:

ClinVar aggregate classification (germline): Uncertain significance. Review status: criteria provided, multiple submitters, no conflicts (2 of 4 stars). 2 submissions from 2 submitters: Uncertain significance (2). Last evaluated 2021-03-17.

Conditions:
Hereditary cancer-predisposing syndrome. Also called: Tumor predisposition; Hereditary neoplastic syndrome; Neoplastic Syndromes, Hereditary; Hereditary Cancer Syndrome. Identifiers: Orphanet 140162, MedGen C0027672, MeSH D009386, MONDO:0015356.
Multiple endocrine neoplasia, type 2 (MEN2). Identifiers: Orphanet 653, MedGen C4048306, MONDO:0019003. Disease mechanism: gain of function.

Submissions (2):

Ambry Genetics
Classification: Uncertain significance for Hereditary cancer-predisposing syndrome. Last evaluated: 2021-03-17. Review status: criteria provided, single submitter. Criteria: Ambry Variant Classification Scheme 2023. Collection method: clinical testing. Allele origin: germline.
Comment: The p.P335T variant (also known as c.1003C>A), located in coding exon 5 of the RET gene, results from a C to A substitution at nucleotide position 1003. The proline at codon 335 is replaced by threonine, an amino acid with highly similar properties. This amino acid position is highly conserved in available vertebrate species. In addition, the in silico prediction for this alteration is inconclusive. Since supporting evidence is limited at this time, the clinical significance of this alteration remains unclear.

Labcorp Genetics (formerly Invitae), Labcorp
Classification: Uncertain significance for Multiple endocrine neoplasia, type 2. Last evaluated: 2020-06-10. Review status: criteria provided, single submitter. Criteria: Invitae Variant Classification Sherloc (09022015). Collection method: clinical testing. Allele origin: germline.
Comment: This variant has not been reported in the literature in individuals with RET-related conditions. This variant is not present in population databases (ExAC no frequency). This sequence change replaces proline with threonine at codon 335 of the RET protein (p.Pro335Thr). The proline residue is weakly conserved and there is a small physicochemical difference between proline and threonine. Algorithms developed to predict the effect of missense changes on protein structure and function (SIFT, PolyPhen-2, Align-GVGD) all suggest that this variant is likely to be tolerated, but these predictions have not been confirmed by published functional studies and their clinical significance is uncertain. In summary, the available evidence is currently insufficient to determine the role of this variant in disease. Therefore, it has been classified as a Variant of Uncertain Significance.

NM_020975.6(RET):c.1003C>A (p.Pro335Thr)

Gene: RET (ret proto-oncogene; plus strand). Cytogenetic location: 10q11.21.
Variant type: single nucleotide variant.
Coding change: c.1003C>A on transcript NM_020975.6 (MANE Select); coding-DNA position 1003, C replaced by A.
Protein change: p.Pro335Thr; replaces proline 335 with threonine.
Molecular consequence: missense variant.
Genome position (GRCh38, 1-based): chr10:43,106,511, C>A. VCF-style: chr10-43106511-C-A. GRCh37 (hg19) VCF-style: chr10-43601959-C-A.
Other names: c.1003C>A, p.Pro335Thr (NM_000323.2, NM_001406743.1, NM_001406744.1 and 6 more transcripts); c.241C>A, p.Pro81Thr (NM_001355216.2); c.874C>A, p.Pro292Thr (NM_001406761.1, NM_001406762.1, NM_001406764.1 and 1 more transcripts); c.715C>A, p.Pro239Thr (NM_001406766.1, NM_001406767.1, NM_001406770.1); short protein forms P335T, P81T, P239T, P292T.
Identifiers: ClinVar variation 960644 (VCV000960644.13), dbSNP rs1837782662, ClinGen allele CA376546335.